The following is an entry in ClinVar:

NM_030962.4(SBF2):c.4693A>G (p.Ile1565Val)

Genes: SBF2 (SET binding factor 2; minus strand), SBF2-AS1 (SBF2 antisense RNA 1; plus strand), LOC105369149 (uncharacterized LOC105369149; plus strand). Cytogenetic location: 11p15.4.
Variant type: single nucleotide variant.
Coding change: c.4693A>G on transcript NM_030962.4 (MANE Select); coding-DNA position 4693, A replaced by G.
Protein change: p.Ile1565Val; replaces isoleucine 1565 with valine.
Molecular consequence: missense variant.
Genome position (GRCh38, 1-based): chr11:9,790,561, T>C on the plus strand (A>G on the coding strand, the complement: SBF2 is on the minus strand). VCF-style: chr11-9790561-T-C. GRCh37 (hg19) VCF-style: chr11-9812108-T-C.
Other names: c.4789A>G, p.Ile1597Val (NM_001386339.1); c.4564A>G, p.Ile1522Val (NM_001386342.1); short protein forms I1565V, I1522V, I1597V.
Identifiers: ClinVar variation 381819 (VCV000381819.22), dbSNP rs115345208, ClinGen allele CA5880922.

ClinVar aggregate classification (germline): Benign/Likely benign. Review status: criteria provided, multiple submitters, no conflicts (2 of 4 stars). 6 submissions from 6 submitters: Benign (3); Likely benign (3). Last evaluated 2026-01-24.

Conditions:
Charcot-Marie-Tooth disease type 4. Also called: Charcot-Marie-Tooth disease, type IV; Charcot-Marie-Tooth, Type 4. Identifiers: Orphanet 64749, MedGen C4082197, MONDO:0018995.
Inborn genetic diseases. Identifiers: MedGen C0950123, MeSH D030342.

Allele frequency attached by ClinVar (database versions not stated): ExAC 0.00098; gnomAD 0.00266 and 0.00285; ESP Exome Variant Server 0.00270; TOPMed 0.00299; 1000 Genomes Project 30x 0.00390; 1000 Genomes Project 0.00399.
gnomAD v4.1: 760 of 1,583,982 alleles (0.048%); highest among the groups gnomAD compares: African/African-American, 0.87%; 4 homozygotes.

Submissions (6):

Labcorp Genetics (formerly Invitae), Labcorp
Classification: Benign for Charcot-Marie-Tooth disease type 4. Last evaluated: 2026-01-24. Review status: criteria provided, single submitter. Criteria: Invitae Variant Classification Sherloc (09022015). Collection method: clinical testing. Allele origin: germline.

Athena Diagnostics
Classification: Benign. Last evaluated: 2025-10-28. Review status: criteria provided, single submitter. Criteria: Athena Diagnostics Criteria. Collection method: clinical testing. Allele origin: unknown.
Comment: The frequency of this variant in the general population is higher than would generally be expected for pathogenic variants in this gene. Computational tools predict this amino acid change may be benign.

Blueprint Genetics
Classification: Likely benign. Last evaluated: 2024-07-01. Review status: criteria provided, single submitter. Criteria: ACMG Guidelines, 2015. Collection method: clinical testing. Allele origin: germline.

Ambry Genetics
Classification: Likely benign for Inborn genetic diseases. Last evaluated: 2021-11-16. Review status: criteria provided, single submitter. Criteria: Ambry Variant Classification Scheme 2023. Collection method: clinical testing. Allele origin: germline.

GeneDx
Classification: Likely benign. Last evaluated: 2021-01-11. Review status: criteria provided, single submitter. Criteria: GeneDx Variant Classification Process June 2021. Collection method: clinical testing. Allele origin: germline. Affected: yes.

Genetic Services Laboratory, University of Chicago
Classification: Benign. Last evaluated: 2018-12-21. Review status: criteria provided, single submitter. Criteria: ACMG Guidelines, 2015. Collection method: clinical testing. Allele origin: germline. Affected: no.